The following is an entry in ClinVar:

NM_182914.3(SYNE2):c.5906T>G (p.Met1969Arg)

Gene: SYNE2 (spectrin repeat containing nuclear envelope protein 2; plus strand). Cytogenetic location: 14q23.2.
Variant type: single nucleotide variant.
Coding change: c.5906T>G on transcript NM_182914.3 (MANE Select); coding-DNA position 5906, T replaced by G.
Protein change: p.Met1969Arg; replaces methionine 1969 with arginine.
Molecular consequence: missense variant.
Genome position (GRCh38, 1-based): chr14:64,024,977, T>G. VCF-style: chr14-64024977-T-G. GRCh37 (hg19) VCF-style: chr14-64491695-T-G.
Other names: c.5906T>G, p.Met1969Arg (NM_015180.6); short protein forms M1969R.
Identifiers: ClinVar variation 972622 (VCV000972622.9), dbSNP rs4902264, ClinGen allele CA389944889.

ClinVar aggregate classification (germline): Uncertain significance (1 of 4 stars; one submission).

Conditions:
Emery-Dreifuss muscular dystrophy 5, autosomal dominant (EDMD5). Also called: EMERY-DREIFUSS MUSCULAR DYSTROPHY 5. Identifiers: Orphanet 261, MedGen C2751805, MONDO:0013072, OMIM 612999.

Submission:

Labcorp Genetics (formerly Invitae), Labcorp
Classification: Uncertain significance for Emery-Dreifuss muscular dystrophy 5, autosomal dominant. Last evaluated: 2019-10-10. Review status: criteria provided, single submitter. Criteria: Invitae Variant Classification Sherloc (09022015). Collection method: clinical testing. Allele origin: germline.
Comment: This sequence change replaces methionine with arginine at codon 1969 of the SYNE2 protein (p.Met1969Arg). The methionine residue is weakly conserved and there is a moderate physicochemical difference between methionine and arginine. This variant is not present in population databases (ExAC no frequency). This variant has not been reported in the literature in individuals with SYNE2-related conditions. Algorithms developed to predict the effect of missense changes on protein structure and function are either unavailable or do not agree on the potential impact of this missense change (SIFT: "Tolerated"; PolyPhen-2: "Possibly Damaging"; Align-GVGD: "Class C0"). In summary, the available evidence is currently insufficient to determine the role of this variant in disease. Therefore, it has been classified as a Variant of Uncertain Significance.